The following is an entry in ClinVar:

ClinVar aggregate classification (germline): Uncertain significance (1 of 4 stars; one submission).

Conditions:
Malignant hyperthermia, susceptibility to, 1 (MHS1). Also called: Anesthesia related hyperthermia; Malignant hyperpyrexia; Fulminating hyperpyrexia; Pharmacogenic myopathy; RYR1-Related Malignant Hyperthermia Susceptibility; Malignant hyperthermia suceptibility 1. Identifiers: Orphanet 423, MedGen C2930980, MONDO:0007783, OMIM 145600.

Submission:

All of Us Research Program, National Institutes of Health
Classification: Uncertain significance for Malignant hyperthermia, susceptibility to, 1. Last evaluated: 2023-05-16. Review status: criteria provided, single submitter. Criteria: ACMG Guidelines, 2015. Collection method: clinical testing. Allele origin: germline. Inheritance: Autosomal dominant inheritance. Observed: 1 variant allele, 1 heterozygote.
Comment: This variant causes a C to G nucleotide substitution at the -13 position of intron 28 of the RYR1 gene. To our knowledge, functional studies have not been reported for this variant. This variant has not been reported in individuals affected with RYR1-related disorders in the literature. This variant has not been identified in the general population by the Genome Aggregation Database (gnomAD). The available evidence is insufficient to determine the role of this variant in disease conclusively. Therefore, this variant is classified as a Variant of Uncertain Significance.

This study involves interpretation of variants in research participants for the purpose of population health screening. Participant phenotype was not available at the time of variant classification. Additional details can be found in publication PMID: 35346344, PMCID: PMC8962531

NM_000540.3(RYR1):c.4161-13C>G

Gene: RYR1 (ryanodine receptor 1; plus strand). Cytogenetic location: 19q13.2.
Variant type: single nucleotide variant.
Coding change: c.4161-13C>G on transcript NM_000540.3 (MANE Select); 13 bases into the intron before coding-DNA position 4161, C replaced by G.
Molecular consequence: intron variant.
Genome position (GRCh38, 1-based): chr19:38,475,305, C>G. VCF-style: chr19-38475305-C-G. GRCh37 (hg19) VCF-style: chr19-38965945-C-G.
Other names: c.4161-13C>G (NM_001042723.2).
Identifiers: ClinVar variation 3071200 (VCV003071200.1), dbSNP rs891689474, ClinGen allele CA308082707.